The following is an entry in ClinVar:

NM_004958.4(MTOR):c.4107+1G>A

Gene: MTOR (mechanistic target of rapamycin kinase; minus strand). Cytogenetic location: 1p36.22.
Variant type: single nucleotide variant.
Coding change: c.4107+1G>A on transcript NM_004958.4 (MANE Select); the canonical splice donor site of the intron after coding-DNA position 4107, G replaced by A.
Molecular consequence: splice donor variant.
Genome position (GRCh38, 1-based): chr1:11,199,540, C>T on the plus strand (G>A on the coding strand, the complement: MTOR is on the minus strand). VCF-style: chr1-11199540-C-T. GRCh37 (hg19) VCF-style: chr1-11259597-C-T.
Other names: c.2859+1G>A (NM_001386501.1); c.4107+1G>A (NM_001386500.1).
Identifiers: ClinVar variation 1311859 (VCV001311859.2), dbSNP rs2100745610, ClinGen allele CA338389708.

ClinVar aggregate classification (germline): Uncertain significance (1 of 4 stars; one submission).

Submission:

GeneDx
Classification: Uncertain significance. Last evaluated: 2020-01-21. Review status: criteria provided, single submitter. Criteria: GeneDx Variant Classification Process June 2021. Collection method: clinical testing. Allele origin: germline. Affected: yes.
Comment: Canonical splice site variant predicted to destroy the splice donor site of intron 27; Has not been previously published as pathogenic or benign to our knowledge; Not observed in large population cohorts (Lek et al., 2016)